The following is an entry in ClinVar:

NC_000011.10:g.47350600_47350609del

Gene: MYBPC3 (myosin binding protein C3; minus strand). Cytogenetic location: 11p11.2.
Variant type: Deletion.
Genome position: GRCh38 VCF-style: chr11-47350599-CATGGGCTCTG-C. GRCh37 (hg19) VCF-style: chr11-47372150-CATGGGCTCTG-C.
Other names: c.299_308del, p.Ala100fs (LRG_386t1); c.299_308delCAGAGCCCAT (NM_000256.3).
Identifiers: ClinVar variation 582266 (VCV000582266.8), dbSNP rs1565631430, ClinGen allele CA891842485.

ClinVar aggregate classification (germline): Pathogenic/Likely pathogenic. Review status: criteria provided, multiple submitters, no conflicts (2 of 4 stars). 2 submissions from 2 submitters: Pathogenic (1); Likely pathogenic (1). Last evaluated 2018-05-06.

Conditions:
Hypertrophic cardiomyopathy. Also called: HYPERTROPHIC MYOCARDIOPATHY. Identifiers: Orphanet 217569, MedGen C0007194, MeSH D002312, MONDO:0005045, HP:0001639.
Cardiomyopathy (CMYO). Also called: Cardiomyopathies. Identifiers: Orphanet 167848, MedGen C0878544, MONDO:0004994, HP:0001638. Inheritance: Various modes of inheritance.

Submissions (2):

Labcorp Genetics (formerly Invitae), Labcorp
Classification: Pathogenic for Hypertrophic cardiomyopathy. Last evaluated: 2018-05-06. Review status: criteria provided, single submitter. Criteria: Invitae Variant Classification Sherloc (09022015). Collection method: clinical testing. Allele origin: germline.
Comment: Loss-of-function variants in MYBPC3 are known to be pathogenic (PMID: 19574547). This variant has not been reported in the literature in individuals with MYBPC3-related disease. This variant is not present in population databases (ExAC no frequency). This sequence change creates a premature translational stop signal (p.Ala100Glyfs*56) in the MYBPC3 gene. It is expected to result in an absent or disrupted protein product. For these reasons, this variant has been classified as Pathogenic.

CHEO Genetics Diagnostic Laboratory, Children's Hospital of Eastern Ontario
Classification: Likely pathogenic for Cardiomyopathy. Last evaluated: 2016-05-03. Review status: criteria provided, single submitter. Criteria: ACMG Guidelines, 2015. Collection method: clinical testing. Allele origin: germline. Study: Canadian Open Genetics Repository.

Literature cited by the submitters: PubMed 19574547 (cited by Labcorp Genetics (formerly Invitae), Labcorp).